The following is an entry in ClinVar:

NM_007294.4(BRCA1):c.4365A>C (p.Leu1455Phe)

Gene: BRCA1 (BRCA1 DNA repair associated; minus strand). Cytogenetic location: 17q21.31.
Variant type: single nucleotide variant.
Coding change: c.4365A>C on transcript NM_007294.4 (MANE Select); coding-DNA position 4365, A replaced by C.
Protein change: p.Leu1455Phe; replaces leucine 1455 with phenylalanine.
Molecular consequence: missense variant. On other transcripts: intron variant (3).
Genome position (GRCh38, 1-based): chr17:43,076,607, T>G on the plus strand (A>C on the coding strand, the complement: BRCA1 is on the minus strand). VCF-style: chr17-43076607-T-G. GRCh37 (hg19) VCF-style: chr17-41228624-T-G.
Other names: c.4152A>C, p.Leu1384Phe (NM_001407571.1, NM_001407894.1, NM_001407895.1 and 12 more transcripts); c.4431A>C, p.Leu1477Phe (NM_001407581.1, NM_001407582.1); c.4428A>C, p.Leu1476Phe (NM_001407583.1, NM_001407585.1, NM_001407587.1 and 1 more transcripts); c.4425A>C, p.Leu1475Phe (NM_001407590.1, NM_001407591.1); c.4365A>C, p.Leu1455Phe (NM_001407593.1, NM_001407594.1, NM_001407596.1 and 8 more transcripts); c.4362A>C, p.Leu1454Phe (NM_001407610.1, NM_001407611.1, NM_001407612.1 and 17 more transcripts); c.4359A>C, p.Leu1453Phe (NM_001407627.1, NM_001407628.1, NM_001407629.1 and 14 more transcripts); c.4356A>C, p.Leu1452Phe (NM_001407644.1, NM_001407645.1); and 71 more; short protein forms L1158F, L1159F, L1286F, L1326F, L1327F, L1328F, L1342F, L1343F.
Identifiers: ClinVar variation 3226154 (VCV003226154.1), dbSNP rs2154073456, ClinGen allele CA10592810.

ClinVar aggregate classification (germline): Uncertain significance (1 of 4 stars; one submission).

Conditions:
Hereditary cancer-predisposing syndrome. Also called: Neoplastic Syndromes, Hereditary; Tumor predisposition; Hereditary neoplastic syndrome; Hereditary Cancer Syndrome. Identifiers: Orphanet 140162, MedGen C0027672, MeSH D009386, MONDO:0015356.

Submission:

Ambry Genetics
Classification: Uncertain significance for Hereditary cancer-predisposing syndrome. Last evaluated: 2022-12-07. Review status: criteria provided, single submitter. Criteria: Ambry Variant Classification Scheme 2023. Collection method: clinical testing. Allele origin: germline.
Comment: The p.L1455F variant (also known as c.4365A>C), located in coding exon 12 of the BRCA1 gene, results from an A to C substitution at nucleotide position 4365. The leucine at codon 1455 is replaced by phenylalanine, an amino acid with highly similar properties. This amino acid position is highly conserved in available vertebrate species. In addition, the in silico prediction for this alteration is inconclusive. Since supporting evidence is limited at this time, the clinical significance of this alteration remains unclear.